The following is an entry in ClinVar:

NM_001267550.2(TTN):c.90435del (p.Ile30145fs)

Genes: TTN (titin; minus strand), TTN-AS1 (TTN antisense RNA 1; plus strand). Cytogenetic location: 2q31.2.
Variant type: Deletion.
Coding change: c.90435del on transcript NM_001267550.2 (MANE Select); coding-DNA position 90435, one base deleted (T; older notation c.90435delT).
Protein change: p.Ile30145fs; shifts the reading frame from isoleucine 30145.
Molecular consequence: frameshift variant.
Genome position (GRCh38, 1-based): chr2:178,552,465, A deleted on the plus strand (T on the coding strand, the reverse complement: TTN is on the minus strand); the first of 2 consecutive A bases (chr2:178,552,465-178,552,466); deleting either gives the same sequence. VCF-style (leftmost placement, unchanged base first): chr2-178552464-CA-C. GRCh37 (hg19) VCF-style: chr2-179417191-CA-C.
Other names: c.63816del, p.Ile21272fs (NM_133437.4); c.85512del, p.Ile28504fs (NM_001256850.1); c.63240del, p.Ile21080fs (NM_003319.4); c.82731del, p.Ile27577fs (NM_133378.4); c.63615del, p.Ile21205fs (NM_133432.3); c.63240delT (NM_003319.4); short protein forms I30145fs, I21080fs, I21205fs, I28504fs, I21272fs, I27577fs.
Identifiers: ClinVar variation 4193722 (VCV004193722.1).
Genomic context (GRCh38, chr2:178,552,464, plus strand): 5'-GCCAACTGATGGATGGTTTGGGTTTTCCCTTATAAGGTAATTCAAGGTGCACATTGTGCC[CA>C]ATTCTCACAGTGACTTGTGCCCCAGGGATATCTGACAGGTCAACTTCAGGTGTAATAATA-3'

ClinVar aggregate classification (germline): Likely pathogenic (1 of 4 stars; one submission).

Conditions:
Cardiovascular phenotype. Identifiers: MedGen CN230736.

Submission:

Ambry Genetics
Classification: Likely pathogenic for Cardiovascular phenotype. Last evaluated: 2025-07-15. Review status: criteria provided, single submitter. Criteria: Ambry Variant Classification Scheme 2023. Collection method: clinical testing. Allele origin: germline.
Comment: The c.63240delT variant, located in coding exon 162 of the TTN gene, results from a deletion of one nucleotide at nucleotide position 63240, causing a translational frameshift with a predicted alternate stop codon (p.I21080Mfs*22). This exon is located in the A-band region of the N2-B isoform of the titin protein and is constitutively expressed in TTN transcripts (percent spliced in or PSI 100%). This variant is considered to be rare based on population cohorts in the Genome Aggregation Database (gnomAD). This variant is expected to result in loss of function by premature protein truncation or nonsense-mediated mRNA decay. While truncating variants in TTN are present in 1-3% of the general population, truncating variants in the A-band are the most common cause of dilated cardiomyopathy (Herman DS et al. N. Engl. J. Med., 2012 Feb;366:619-28; Roberts AM et al. Sci Transl Med, 2015 Jan;7:270ra6). TTN truncating variants encoded in constitutive exons (PSI >90%) have been found to be significantly associated with DCM regardless of their position in titin (Schafer S et al. Nat. Genet., 2017 01;49:46-53; Akhtar MM et al. Circ Heart Fail, 2020 Oct;13:e006832; Massier M et al. Clin Genet, 2025 Jan). Based on the majority of available evidence to date, this variant is likely to be pathogenic.